The following is an entry in ClinVar:

ClinVar aggregate classification (germline): Likely benign. Review status: criteria provided, multiple submitters, no conflicts (2 of 4 stars). 3 submissions from 3 submitters: Likely benign (3). Last evaluated 2026-01-27.

Conditions:
Hereditary diffuse gastric adenocarcinoma (HDGC). Also called: DIFFUSE GASTRIC AND LOBULAR BREAST CANCER SYNDROME. Identifiers: Orphanet 26106, MedGen C1708349, MONDO:0007648, OMIM 137215.

Allele frequency attached by ClinVar (database versions not stated): gnomAD exomes below 0.00001 and 0.00003; gnomAD 0.00001; ExAC 0.00002; TOPMed 0.00003; 1000 Genomes Project 0.00020; 1000 Genomes Project 30x 0.00031.
gnomAD v4.1: 11 of 1,613,194 alleles (0.00068%); highest among the groups gnomAD compares: East Asian, 0.018%; no homozygotes.

Submissions (3):

Labcorp Genetics (formerly Invitae), Labcorp
Classification: Likely benign. Last evaluated: 2026-01-27. Review status: criteria provided, single submitter. Criteria: Invitae Variant Classification Sherloc (09022015). Collection method: clinical testing. Allele origin: germline.

Myriad Genetics, Inc.
Classification: Likely benign for Hereditary diffuse gastric adenocarcinoma. Last evaluated: 2024-10-11. Review status: criteria provided, single submitter. Criteria: Myriad Autosomal Dominant, Autosomal Recessive and X-Linked Classification Criteria (2023). Collection method: clinical testing. Allele origin: unknown.
Comment: This variant is considered likely benign. This variant is intronic and is not expected to impact mRNA splicing.

Blueprint Genetics
Classification: Likely benign. Last evaluated: 2022-08-13. Review status: criteria provided, single submitter. Criteria: ACMG Guidelines, 2015. Collection method: clinical testing. Allele origin: germline.

NM_001903.5(CTNNA1):c.1546+10T>G

Gene: CTNNA1 (catenin alpha 1; plus strand). Cytogenetic location: 5q31.2.
Variant type: single nucleotide variant.
Coding change: c.1546+10T>G on transcript NM_001903.5 (MANE Select); 10 bases into the intron after coding-DNA position 1546, T replaced by G.
Molecular consequence: intron variant.
Genome position (GRCh38, 1-based): chr5:138,917,908, T>G. VCF-style: chr5-138917908-T-G. GRCh37 (hg19) VCF-style: chr5-138253597-T-G.
Other names: c.1546+10T>G (NM_001323982.2, NM_001323984.2, NM_001290307.3 and 2 more transcripts); c.1453+10T>G (NM_001323986.2); c.1177+10T>G (NM_001290310.3); c.1237+10T>G (NM_001290309.3); c.436+10T>G (NM_001323996.1, NM_001323993.1, NM_001324005.1 and 17 more transcripts); c.97+10T>G (NM_001324007.1, NM_001324009.1, NM_001324006.1 and 2 more transcripts); c.193+10T>G (NM_001324013.1, NM_001324012.1); c.343+10T>G (NM_001324011.1).
Identifiers: ClinVar variation 415358 (VCV000415358.14), dbSNP rs552041403, ClinGen allele CA3431970.
Genomic context (GRCh38, chr5:138,917,908, plus strand): 5'-CAGATGCTGTCGATGACATTACTTCCATTGATGACTTCTTGGCTGTCTCAGGTAATGAGC[T>G]GGTTCCCCAGAGAAGTATGTGAAGATGTTCATAATTACTTTTGTCTAAGTTGTATTAATG-3'